The following is an entry in ClinVar:

NM_001034116.2(EIF2B4):c.1344G>T (p.Gln448His)

Genes: EIF2B4 (eukaryotic translation initiation factor 2B subunit delta; minus strand), GTF3C2-AS2 (GTF3C2 antisense RNA 2; plus strand). Cytogenetic location: 2p23.3.
Variant type: single nucleotide variant.
Coding change: c.1344G>T on transcript NM_001034116.2 (MANE Select); coding-DNA position 1344, G replaced by T.
Protein change: p.Gln448His; replaces glutamine 448 with histidine.
Molecular consequence: missense variant.
Genome position (GRCh38, 1-based): chr2:27,364,746, C>A on the plus strand (G>T on the coding strand, the complement: EIF2B4 is on the minus strand). VCF-style: chr2-27364746-C-A. GRCh37 (hg19) VCF-style: chr2-27587613-C-A.
Other names: c.1407G>T, p.Gln469His (NM_001318965.2); c.1299G>T, p.Gln433His (NM_001318966.2); c.1251G>T, p.Gln417His (NM_001318967.2); c.759G>T, p.Gln253His (NM_001318968.2); c.726G>T, p.Gln242His (NM_001318969.2); c.1341G>T, p.Gln447His (NM_015636.4); c.1404G>T, p.Gln468His (NM_172195.4); c.1341G>T (NM_015636.3); short protein forms Q242H, Q253H, Q417H, Q433H, Q447H, Q448H, Q468H, Q469H.
Identifiers: ClinVar variation 3625043 (VCV003625043.4).

ClinVar aggregate classification (germline): Uncertain significance. Review status: criteria provided, multiple submitters, no conflicts (2 of 4 stars). 3 submissions from 3 submitters: Uncertain significance (3). Last evaluated 2025-12-10.

Conditions:
Inborn genetic diseases. Identifiers: MedGen C0950123, MeSH D030342.

gnomAD v4.1: 4 of 1,614,094 alleles (0.00025%); highest among the groups gnomAD compares: Non-Finnish European, 0.00034%; no homozygotes.

Submissions (3):

Ambry Genetics
Classification: Uncertain significance for Inborn genetic diseases. Last evaluated: 2025-12-10. Review status: criteria provided, single submitter. Criteria: Ambry Variant Classification Scheme 2023. Collection method: clinical testing. Allele origin: germline.

Labcorp Genetics (formerly Invitae), Labcorp
Classification: Uncertain significance. Last evaluated: 2025-01-13. Review status: criteria provided, single submitter. Criteria: Invitae Variant Classification Sherloc (09022015). Collection method: clinical testing. Allele origin: germline.
Comment: This sequence change replaces glutamine, which is neutral and polar, with histidine, which is basic and polar, at codon 447 of the EIF2B4 protein (p.Gln447His). This variant is present in population databases (no rsID available, gnomAD 0.002%). This variant has not been reported in the literature in individuals affected with EIF2B4-related conditions. An algorithm developed to predict the effect of missense changes on protein structure and function (PolyPhen-2) suggests that this variant is likely to be disruptive. In summary, the available evidence is currently insufficient to determine the role of this variant in disease. Therefore, it has been classified as a Variant of Uncertain Significance.

Blueprint Genetics
Classification: Uncertain significance. Last evaluated: 2023-11-20. Review status: criteria provided, single submitter. Criteria: ACMG Guidelines, 2015. Collection method: clinical testing. Allele origin: germline.